The following is an entry in ClinVar:

NM_000350.3(ABCA4):c.5753A>G (p.Asp1918Gly)

Gene: ABCA4 (ATP binding cassette subfamily A member 4; minus strand). Cytogenetic location: 1p22.1.
Variant type: single nucleotide variant.
Coding change: c.5753A>G on transcript NM_000350.3 (MANE Select); coding-DNA position 5753, A replaced by G.
Protein change: p.Asp1918Gly; replaces aspartic acid 1918 with glycine.
Molecular consequence: missense variant.
Genome position (GRCh38, 1-based): chr1:94,008,833, T>C on the plus strand (A>G on the coding strand, the complement: ABCA4 is on the minus strand). VCF-style: chr1-94008833-T-C. GRCh37 (hg19) VCF-style: chr1-94474389-T-C.
Other names: NM_000350.3(ABCA4):c.5753A>G; p.Asp1918Gly; c.5531A>G, p.Asp1844Gly (NM_001425324.1); short protein forms D1918G, D1844G.
Identifiers: ClinVar variation 1481126 (VCV001481126.9), dbSNP rs1659470705, ClinGen allele CA341280424.
Genomic context (GRCh38, chr1:94,008,833, plus strand): 5'-AAGATGTCAGTTTTATTTCCACCAGTAATAATTCTTTGTCTTTCTTCAGCCACATCATCA[T>C]CTTCATCAACAATGGGCTCCTTAGTGGGCTCGGCAATCCTAGATGAAGAAAAGGGGTCAG-3'
Protein context (NP_000341.2, residues 1908-1928): EPTKEPIVDE[Asp1918Gly]DDVAEERQRI

ClinVar aggregate classification (germline): Likely pathogenic. Review status: reviewed by expert panel (3 of 4 stars). 2 submissions from 2 submitters: Likely pathogenic (1). 1 of the submissions does not count toward it. Last evaluated 2026-05-26.

Conditions:
ABCA4-related retinopathy. Also called: ABCA4-related retinoapthy; ABCA4 retinoapthy. Identifiers: MedGen CN322612, MONDO:0800406.

Submissions (2):

ClinGen ABCA4 Variant Curation Expert Panel, Clingen
Classification: Likely pathogenic for ABCA4-related retinopathy. Last evaluated: 2026-05-26. Review status: reviewed by expert panel. Criteria: ClinGen ABCA4 ACMG Specifications V1.0.0. Collection method: curation. Allele origin: germline. Inheritance: Autosomal recessive inheritance.
Comment: The NM_000350.3(ABCA4):c.5753A>G variant in ABCA4 is a missense variant predicted to cause substitution of aspartic acid by glycine at amino acid 1918; p.Asp1918Gly. This variant is absent from gnomAD v4.1.0 meeting PM2_Supporting. The computational predictor REVEL gives a score of 0.836 which is above the threshold of >0.772 meeting PP3_Moderate. This variant has been detected in one individual with ABCA4-related retinopathy who is compound heterozygous for the variant and a pathogenic variant suspected in trans (PM3_Supporting; PMID: 26492201). Another missense variant, c.5753A>T; p.Asp1918Val (ClinVar Variation ID: 871507), in the same codon has been classified as pathogenic for ABCA4-related retinopathy by the ClinGen ABCA4 VCEP, and Splice AI revealed no expected effects on splicing (PM5). In summary, this variant meets the criteria to be classified as likely pathogenic for ABCA4-related retinopathy based on the ACMG/AMP criteria applied, as specified by the ClinGen ABCA4 VCEP (Specification Version v.1.0.0): PM3_Supporting, PP3_Moderate, PM5, PM2_Supporting.

Labcorp Genetics (formerly Invitae), Labcorp
Classification: Likely pathogenic. Last evaluated: 2023-04-11. Review status: criteria provided, single submitter. Criteria: Invitae Variant Classification Sherloc (09022015). Collection method: clinical testing. Allele origin: germline. Not counted in ClinVar's aggregate classification.
Comment: This sequence change replaces aspartic acid, which is acidic and polar, with glycine, which is neutral and non-polar, at codon 1918 of the ABCA4 protein (p.Asp1918Gly). This variant is not present in population databases (gnomAD no frequency). This variant has not been reported in the literature in individuals affected with ABCA4-related conditions. ClinVar contains an entry for this variant (Variation ID: 1481126). Advanced modeling of protein sequence and biophysical properties (such as structural, functional, and spatial information, amino acid conservation, physicochemical variation, residue mobility, and thermodynamic stability) performed at Invitae indicates that this missense variant is expected to disrupt ABCA4 protein function. This variant disrupts the p.Asp1918 amino acid residue in ABCA4. Other variant(s) that disrupt this residue have been determined to be pathogenic (PMID: 27939946; Invitae). This suggests that this residue is clinically significant, and that variants that disrupt this residue are likely to be disease-causing. In summary, the currently available evidence indicates that the variant is pathogenic, but additional data are needed to prove that conclusively. Therefore, this variant has been classified as Likely Pathogenic.

Literature cited by the submitters: PubMed 27939946 (cited by Labcorp Genetics (formerly Invitae), Labcorp).